The following is an entry in ClinVar:

NM_000540.3(RYR1):c.13482G>A (p.Glu4494=)

Gene: RYR1 (ryanodine receptor 1; plus strand). Cytogenetic location: 19q13.2.
Variant type: single nucleotide variant.
Coding change: c.13482G>A on transcript NM_000540.3 (MANE Select); coding-DNA position 13482, G replaced by A.
Protein change: p.Glu4494=; no amino-acid change (glutamic acid 4494 retained).
Molecular consequence: synonymous variant.
Genome position (GRCh38, 1-based): chr19:38,566,955, G>A. VCF-style: chr19-38566955-G-A. GRCh37 (hg19) VCF-style: chr19-39057595-G-A.
Other names: c.13467G>A, p.Glu4489= (NM_001042723.2).
Identifiers: ClinVar variation 1577679 (VCV001577679.10), dbSNP rs761884375, ClinGen allele CA059920.
Genomic context (GRCh38, chr19:38,566,955, plus strand): 5'-CTTGCCCTGTCCCTAGGTGGATGGAGTGGAGGAGGAGCTCCCGCCAGAGCCAGAGCCCGA[G>A]CCGGAACCAGAGCTGGAGCCGGAGAAAGCCGAGTGAGTGGCCTTGGGGCTGAGGGGCCTA-3'
Protein context (NP_000531.2, residues 4484-4504): EEELPPEPEP[Glu4494=]PEPELEPEKA

ClinVar aggregate classification (germline): Likely benign. Review status: criteria provided, multiple submitters, no conflicts (2 of 4 stars). 3 submissions from 3 submitters: Likely benign (3). Last evaluated 2025-12-08.

Conditions:
Malignant hyperthermia, susceptibility to, 1 (MHS1). Also called: Anesthesia related hyperthermia; Malignant hyperpyrexia; Fulminating hyperpyrexia; Pharmacogenic myopathy; RYR1-Related Malignant Hyperthermia Susceptibility; Malignant hyperthermia suceptibility 1. Identifiers: Orphanet 423, MedGen C2930980, MONDO:0007783, OMIM 145600.
RYR1-related disorder. Also called: RYR1-related disorders; RYR1-related condition. Identifiers: MedGen CN239331.

Allele frequency attached by ClinVar (database versions not stated): gnomAD 0.00001; gnomAD exomes 0.00001; ExAC 0.00002.
gnomAD v4.1: 5 of 1,605,576 alleles (0.00031%); highest among the groups gnomAD compares: Admixed American, 0.0051%; no homozygotes.

Submissions (3):

Labcorp Genetics (formerly Invitae), Labcorp
Classification: Likely benign for RYR1-related disorder. Last evaluated: 2025-12-08. Review status: criteria provided, single submitter. Criteria: Invitae Variant Classification Sherloc (09022015). Collection method: clinical testing. Allele origin: germline.

All of Us Research Program, National Institutes of Health
Classification: Likely benign for Malignant hyperthermia, susceptibility to, 1. Last evaluated: 2023-12-13. Review status: criteria provided, single submitter. Criteria: ACMG Guidelines, 2015. Collection method: clinical testing. Allele origin: germline. Inheritance: Autosomal dominant inheritance. Observed: 4 variant alleles, 4 heterozygotes.
Comment: This study involves interpretation of variants in research participants for the purpose of population health screening. Participant phenotype was not available at the time of variant classification. Additional details can be found in publication PMID: 35346344, PMCID: PMC8962531

Blueprint Genetics
Classification: Likely benign. Last evaluated: 2020-12-18. Review status: criteria provided, single submitter. Criteria: ACMG Guidelines, 2015. Collection method: clinical testing. Allele origin: germline.